The following is an entry in ClinVar:

ClinVar aggregate classification (germline): Likely benign. Review status: criteria provided, multiple submitters, no conflicts (2 of 4 stars). 2 submissions from 2 submitters: Likely benign (2). Last evaluated 2024-11-27.

Allele frequency attached by ClinVar (database versions not stated): gnomAD exomes 0.00001; gnomAD 0.00002.
gnomAD v4.1: 24 of 1,614,002 alleles (0.0015%); highest among the groups gnomAD compares: Non-Finnish European, 0.0019%; no homozygotes.

Submissions (2):

Labcorp Genetics (formerly Invitae), Labcorp
Classification: Likely benign. Last evaluated: 2024-11-27. Review status: criteria provided, single submitter. Criteria: Invitae Variant Classification Sherloc (09022015). Collection method: clinical testing. Allele origin: germline.

CeGaT Center for Human Genetics Tuebingen
Classification: Likely benign. Last evaluated: 2022-05-01. Review status: criteria provided, single submitter. Criteria: CeGaT Center For Human Genetics Tuebingen Variant Classification Criteria Version 2. Collection method: clinical testing. Allele origin: germline. Affected: yes. Observed: 1 variant allele.
Comment: EARS2: BP4, BP7

NM_001083614.2(EARS2):c.151C>T (p.Leu51=)

Gene: EARS2 (glutamyl-tRNA synthetase 2, mitochondrial; minus strand). Cytogenetic location: 16p12.2.
Variant type: single nucleotide variant.
Coding change: c.151C>T on transcript NM_001083614.2 (MANE Select); coding-DNA position 151, C replaced by T.
Protein change: p.Leu51=; no amino-acid change (leucine 51 retained).
Molecular consequence: synonymous variant. On other transcripts: non-coding transcript variant (1).
Genome position (GRCh38, 1-based): chr16:23,552,293, G>A on the plus strand (C>T on the coding strand, the complement: EARS2 is on the minus strand). VCF-style: chr16-23552293-G-A. GRCh37 (hg19) VCF-style: chr16-23563614-G-A.
Other names: c.151C>T, p.Leu51= (NM_001308211.1, NM_133451.1).
Identifiers: ClinVar variation 1901203 (VCV001901203.29), dbSNP rs894436972, ClinGen allele CA279533200.
Genomic context (GRCh38, chr16:23,552,293, plus strand): 5'-AGCTCCCCTGGTACTTCTTAGCAAAGATGTAGTTGTACAAGGCAGTGCGGAGGCCACCCA[G>A]GTGCAAGAAGCCTGGAGAAGAGAACAGCTCAGATAAGACAGGGAAGATAAGCTAATAGGC-3'
Protein context (NP_001077083.1, residues 41-61): FAPSPTGFLH[Leu51=]GGLRTALYNY